The following is an entry in ClinVar:

ClinVar aggregate classification (germline): Likely pathogenic (1 of 4 stars; one submission).

Conditions:
Fanconi anemia complementation group C (FANCC). Also called: FANCONI PANCYTOPENIA, TYPE 3; FACC; Fanconi anemia, group C; FANCC-Related Fanconi Anemia. Identifiers: Orphanet 84, MedGen C3468041, MONDO:0009213, OMIM 227645.

Submission:

Myriad Genetics, Inc.
Classification: Likely pathogenic for Fanconi anemia complementation group C. Last evaluated: 2025-12-29. Review status: criteria provided, single submitter. Criteria: Myriad Autosomal Dominant, Autosomal Recessive and X-Linked Classification Criteria (2023). Collection method: clinical testing. Allele origin: unknown.
Comment: NM_000136.2(FANCC):c.997-2A>G is a variant in a canonical splice site classified as likely pathogenic in the context of Fanconi anemia, FANCC-related. c.997-2A>G has been observed in a case with relevant disease (PMID: 29779353). Relevant functional assessments of this variant are not available in the literature. c.997-2A>G has not been observed in referenced population frequency databases. In summary, NM_000136.2(FANCC):c.997-2A>G is a variant in a canonical splice site in a gene where loss of function is a known mechanism of disease, is predicted to disrupt protein function, and has been observed more frequently in cases with the relevant disease than in healthy populations. Please note: this variant was assessed in the context of healthy population screening.

Literature cited by the submitters: PubMed 29779353.

NM_000136.3(FANCC):c.997-2A>G

Genes: AOPEP (aminopeptidase O (putative); plus strand), FANCC (FA complementation group C; minus strand). Cytogenetic location: 9q22.32.
Variant type: single nucleotide variant.
Coding change: c.997-2A>G on transcript NM_000136.3 (MANE Select); the canonical splice acceptor site of the intron before coding-DNA position 997, A replaced by G.
Molecular consequence: splice acceptor variant.
Genome position (GRCh38, 1-based): chr9:95,117,392, T>C on the plus strand (A>G on the coding strand, the complement: FANCC is on the minus strand). VCF-style: chr9-95117392-T-C. GRCh37 (hg19) VCF-style: chr9-97879674-T-C.
Other names: c.997-2A>G (NM_001243743.2, NM_001243744.2).
Identifiers: ClinVar variation 5003668 (VCV005003668.1).
Genomic context (GRCh38, chr9:95,117,392, plus strand): 5'-AGCACCATGGCAAGAGATGGAGAAGTGTAAGGAAAGTAGGTCTTGAGTGCAAACCGCAGC[T>C]GCCACAGGATGGAAAATCCAAAGAGCATGAACATTAAGATTGAAACGGGGTCAGGAAAAT-3'